The following is an entry in ClinVar:

ClinVar aggregate classification (germline): Uncertain significance (1 of 4 stars; one submission).

Allele frequency attached by ClinVar (database versions not stated): gnomAD 0.00001; TOPMed 0.00001.
gnomAD v4.1: 7 of 1,609,334 alleles (0.00043%); highest among the groups gnomAD compares: South Asian, 0.0022%; no homozygotes.

Submission:

Labcorp Genetics (formerly Invitae), Labcorp
Classification: Uncertain significance. Last evaluated: 2022-01-03. Review status: criteria provided, single submitter. Criteria: Invitae Variant Classification Sherloc (09022015). Collection method: clinical testing. Allele origin: germline.
Comment: Algorithms developed to predict the effect of missense changes on protein structure and function are either unavailable or do not agree on the potential impact of this missense change (SIFT: "Tolerated"; PolyPhen-2: "Probably Damaging"; Align-GVGD: "Class C15"). In summary, the available evidence is currently insufficient to determine the role of this variant in disease. Therefore, it has been classified as a Variant of Uncertain Significance. This variant has not been reported in the literature in individuals affected with PROM1-related conditions. This variant is present in population databases (rs758897153, gnomAD 0.007%). This sequence change replaces tyrosine, which is neutral and polar, with cysteine, which is neutral and slightly polar, at codon 541 of the PROM1 protein (p.Tyr541Cys).

NM_006017.3(PROM1):c.1622A>G (p.Tyr541Cys)

Gene: PROM1 (prominin 1; minus strand). Cytogenetic location: 4p15.32.
Variant type: single nucleotide variant.
Coding change: c.1622A>G on transcript NM_006017.3 (MANE Select); coding-DNA position 1622, A replaced by G.
Protein change: p.Tyr541Cys; replaces tyrosine 541 with cysteine.
Molecular consequence: missense variant.
Genome position (GRCh38, 1-based): chr4:15,998,445, T>C on the plus strand (A>G on the coding strand, the complement: PROM1 is on the minus strand). VCF-style: chr4-15998445-T-C. GRCh37 (hg19) VCF-style: chr4-16000068-T-C.
Other names: c.1595A>G, p.Tyr532Cys (NM_001145847.2, NM_001145848.2, NM_001145851.2 and 4 more transcripts); c.1622A>G, p.Tyr541Cys (NM_001145849.2, NM_001145850.2); short protein forms Y532C, Y541C.
Identifiers: ClinVar variation 2196844 (VCV002196844.4), dbSNP rs758897153, ClinGen allele CA2866702.